The following is an entry in ClinVar:

ClinVar aggregate classification (germline): Pathogenic (1 of 4 stars; one submission).

Conditions:
Familial temporal lobe epilepsy 7. Identifiers: Orphanet 101046, MedGen C4225327, MONDO:0014639, OMIM 616436.
Norman-Roberts syndrome (LIS2). Also called: Lissencephaly 2 (Norman-Roberts type). Identifiers: Orphanet 89844, MedGen C0796089, MONDO:0009760, OMIM 257320.

Submission:

Labcorp Genetics (formerly Invitae), Labcorp
Classification: Pathogenic for Familial temporal lobe epilepsy 7; Norman-Roberts syndrome. Last evaluated: 2024-04-25. Review status: criteria provided, single submitter. Criteria: Invitae Variant Classification Sherloc (09022015). Collection method: clinical testing. Allele origin: germline.
Comment: This sequence change creates a premature translational stop signal (p.Trp807*) in the RELN gene. It is expected to result in an absent or disrupted protein product. Loss-of-function variants in RELN are known to be pathogenic (PMID: 10973257, 26046367, 28454995). This variant is not present in population databases (gnomAD no frequency). This variant has not been reported in the literature in individuals affected with RELN-related conditions. Algorithms developed to predict the effect of sequence changes on RNA splicing suggest that this variant may disrupt the consensus splice site. For these reasons, this variant has been classified as Pathogenic.

Literature cited by the submitters: PubMed 10973257; PubMed 26046367; PubMed 28454995.

NM_005045.4(RELN):c.2420G>A (p.Trp807Ter)

Gene: RELN (reelin; minus strand). Cytogenetic location: 7q22.1.
Variant type: single nucleotide variant.
Coding change: c.2420G>A on transcript NM_005045.4 (MANE Select); coding-DNA position 2420, G replaced by A.
Protein change: p.Trp807Ter; replaces tryptophan 807 with a stop codon.
Molecular consequence: nonsense.
Genome position (GRCh38, 1-based): chr7:103,635,470, C>T on the plus strand (G>A on the coding strand, the complement: RELN is on the minus strand). VCF-style: chr7-103635470-C-T. GRCh37 (hg19) VCF-style: chr7-103275917-C-T.
Other names: c.2420G>A, p.Trp807Ter (NM_173054.3); short protein forms W807*.
Identifiers: ClinVar variation 3756019 (VCV003756019.2).